The following is an entry in ClinVar:

NM_001382567.1(STIM1):c.67C>T (p.Leu23Phe)

Gene: STIM1 (stromal interaction molecule 1; plus strand). Cytogenetic location: 11p15.4.
Variant type: single nucleotide variant.
Coding change: c.67C>T on transcript NM_001382567.1 (MANE Select); coding-DNA position 67, C replaced by T.
Protein change: p.Leu23Phe; replaces leucine 23 with phenylalanine.
Molecular consequence: missense variant. On other transcripts: intron variant (10), synonymous variant (1), 5 prime UTR variant (1), non-coding transcript variant (3).
Genome position (GRCh38, 1-based): chr11:3,856,337, C>T. VCF-style: chr11-3856337-C-T. GRCh37 (hg19) VCF-style: chr11-3877567-C-T.
Other names: c.-84+1601C>T (NM_001382578.1, NM_001382575.1, NM_001382574.1); c.-84+921C>T (NM_001382577.1, NM_001382573.1, NM_001382566.1 and 1 more transcripts); c.-220+1601C>T (NM_001382580.1, NM_001382581.1); c.-84+1683C>T (NM_001382576.1); c.67C>T, p.Leu23Phe (NM_001277961.3, NM_001277962.2, NM_001382568.1 and 3 more transcripts); c.63C>T, p.Ala21= (NM_001382569.1); c.-171C>T (NM_001382571.1); short protein forms L23F.
Identifiers: ClinVar variation 2954346 (VCV002954346.3), dbSNP rs1403143326, ClinGen allele CA379196405.

ClinVar aggregate classification (germline): Uncertain significance (1 of 4 stars; one submission).

Conditions:
Combined immunodeficiency due to STIM1 deficiency. Also called: IMMUNODEFICIENCY 10; STIM1 DEFICIENCY. Identifiers: Orphanet 169090, Orphanet 317430, MedGen C2748557, MONDO:0013008, OMIM 612783.
Stormorken syndrome (STRMK). Also called: THROMBOCYTOPATHY, ASPLENIA, AND MIOSIS. Identifiers: Orphanet 3204, MedGen C1861451, MONDO:0008497, OMIM 185070.
Myopathy with tubular aggregates (TAM). Also called: Tubular Aggregate Myopathy. Identifiers: Orphanet 2593, MedGen C0410207, MONDO:0008051.

gnomAD v4.1: 1 of 1,614,220 alleles (0.000062%); highest among the groups gnomAD compares: Non-Finnish European, 0.000085%; no homozygotes.

Submission:

Labcorp Genetics (formerly Invitae), Labcorp
Classification: Uncertain significance for Myopathy with tubular aggregates; Combined immunodeficiency due to STIM1 deficiency; Stormorken syndrome. Last evaluated: 2023-12-01. Review status: criteria provided, single submitter. Criteria: Invitae Variant Classification Sherloc (09022015). Collection method: clinical testing. Allele origin: germline.
Comment: This sequence change replaces leucine, which is neutral and non-polar, with phenylalanine, which is neutral and non-polar, at codon 23 of the STIM1 protein (p.Leu23Phe). This variant is not present in population databases (gnomAD no frequency). This variant has not been reported in the literature in individuals affected with STIM1-related conditions. Algorithms developed to predict the effect of missense changes on protein structure and function output the following: SIFT: "Not Available"; PolyPhen-2: "Possibly Damaging"; Align-GVGD: "Not Available". The phenylalanine amino acid residue is found in multiple mammalian species, which suggests that this missense change does not adversely affect protein function. In summary, the available evidence is currently insufficient to determine the role of this variant in disease. Therefore, it has been classified as a Variant of Uncertain Significance.